The following is an entry in ClinVar:

ClinVar aggregate classification (germline): Uncertain significance (1 of 4 stars; one submission).

gnomAD v4.1: 227 of 1,613,494 alleles (0.014%); highest among the groups gnomAD compares: Middle Eastern, 0.016%; no homozygotes.

Submission:

Ambry Genetics
Classification: Uncertain significance. Last evaluated: 2026-07-01. Review status: criteria provided, single submitter. Criteria: Ambry Variant Classification Scheme 2023. Collection method: clinical testing. Allele origin: germline.
Comment: The p.P153L variant (also known as c.458C>T), located in coding exon 3 of the SCG5 gene, results from a C to T substitution at nucleotide position 458. The proline at codon 153 is replaced by leucine, an amino acid with similar properties. This amino acid position is conserved. In addition, this alteration is predicted to be deleterious by in silico analysis. Based on the available evidence, the clinical significance of this variant remains unclear.

NM_001144757.3(SCG5):c.458C>T (p.Pro153Leu)

Genes: ARHGAP11A-SCG5 (ARHGAP11A-SCG5 readthrough; plus strand), SCG5 (secretogranin V; plus strand). Cytogenetic location: 15q13.3.
Variant type: single nucleotide variant.
Coding change: c.458C>T on transcript NM_001144757.3 (MANE Select); coding-DNA position 458, C replaced by T.
Protein change: p.Pro153Leu; replaces proline 153 with leucine.
Molecular consequence: missense variant.
Genome position (GRCh38, 1-based): chr15:32,684,638, C>T. VCF-style: chr15-32684638-C-T. GRCh37 (hg19) VCF-style: chr15-32976839-C-T.
Other names: c.1697C>T, p.Pro566Leu (NM_001368319.1); c.458C>T, p.Pro153Leu (NM_001394278.1); c.455C>T, p.Pro152Leu (NM_001394279.1, NM_003020.5); short protein forms P152L, P153L, P566L.
Identifiers: ClinVar variation 3950757 (VCV003950757.2).